The following is an entry in ClinVar:

NM_004104.5(FASN):c.3241A>G (p.Ser1081Gly)

Gene: FASN (fatty acid synthase; minus strand). Cytogenetic location: 17q25.3.
Variant type: single nucleotide variant.
Coding change: c.3241A>G on transcript NM_004104.5 (MANE Select); coding-DNA position 3241, A replaced by G.
Protein change: p.Ser1081Gly; replaces serine 1081 with glycine.
Molecular consequence: missense variant.
Genome position (GRCh38, 1-based): chr17:82,087,236, T>C on the plus strand (A>G on the coding strand, the complement: FASN is on the minus strand). VCF-style: chr17-82087236-T-C. GRCh37 (hg19) VCF-style: chr17-80045112-T-C.
Other names: short protein forms S1081G.
Identifiers: ClinVar variation 641833 (VCV000641833.8), dbSNP rs1568111313, ClinGen allele CA401553442.

ClinVar aggregate classification (germline): Uncertain significance (1 of 4 stars; one submission).

Conditions:
Epileptic encephalopathy. Identifiers: MedGen C0543888, HP:0200134.

Allele frequency attached by ClinVar (database versions not stated): gnomAD exomes below 0.00001.
gnomAD v4.1: 2 of 1,606,484 alleles (0.00012%); highest among the groups gnomAD compares: East Asian, 0.0022%; no homozygotes.

Submission:

Labcorp Genetics (formerly Invitae), Labcorp
Classification: Uncertain significance for Epileptic encephalopathy. Last evaluated: 2018-08-16. Review status: criteria provided, single submitter. Criteria: Invitae Variant Classification Sherloc (09022015). Collection method: clinical testing. Allele origin: germline.
Comment: In summary, the available evidence is currently insufficient to determine the role of this variant in disease. Therefore, it has been classified as a Variant of Uncertain Significance. Algorithms developed to predict the effect of missense changes on protein structure and function (SIFT, PolyPhen-2, Align-GVGD) all suggest that this variant is likely to be tolerated, but these predictions have not been confirmed by published functional studies and their clinical significance is uncertain. This variant has not been reported in the literature in individuals with FASN-related disease. This variant is not present in population databases (ExAC no frequency). This sequence change replaces serine with glycine at codon 1081 of the FASN protein (p.Ser1081Gly). The serine residue is weakly conserved and there is a small physicochemical difference between serine and glycine.